The following is an entry in ClinVar:

NM_024675.4(PALB2):c.1165C>T (p.Leu389Phe)

Gene: PALB2 (partner and localizer of BRCA2; minus strand). Cytogenetic location: 16p12.2.
Variant type: single nucleotide variant.
Coding change: c.1165C>T on transcript NM_024675.4 (MANE Select); coding-DNA position 1165, C replaced by T.
Protein change: p.Leu389Phe; replaces leucine 389 with phenylalanine.
Molecular consequence: missense variant.
Genome position (GRCh38, 1-based): chr16:23,635,381, G>A on the plus strand (C>T on the coding strand, the complement: PALB2 is on the minus strand). VCF-style: chr16-23635381-G-A. GRCh37 (hg19) VCF-style: chr16-23646702-G-A.
Other names: short protein forms L389F.
Identifiers: ClinVar variation 572383 (VCV000572383.19), dbSNP rs1555461427, ClinGen allele CA395133459.
Genomic context (GRCh38, chr16:23,635,381, plus strand): 5'-AATATTCTGCAGGAAACAGAAGGCCTTCAGGCACTGTGCAAGAATGTTTTTCTGCAGAAA[G>A]AGGAGAGGTTGCTTCCAGGCTAAGACTCTTAGGTTGACTTAGAATCTCACTTTCCTGAAG-3'
Protein context (NP_078951.2, residues 379-399): KSLSLEATSP[Leu389Phe]SAEKHSCTVP

ClinVar aggregate classification (germline): Uncertain significance. Review status: criteria provided, multiple submitters, no conflicts (2 of 4 stars). 3 submissions from 3 submitters: Uncertain significance (3). Last evaluated 2025-02-03.

Conditions:
Hereditary cancer-predisposing syndrome. Also called: Neoplastic Syndromes, Hereditary; Hereditary Cancer Syndrome; Tumor predisposition; Hereditary neoplastic syndrome. Identifiers: Orphanet 140162, MedGen C0027672, MeSH D009386, MONDO:0015356.
Familial cancer of breast. Also called: hereditary breast carcinoma; BREAST CANCER, FAMILIAL; Hereditary breast cancer. Identifiers: Orphanet 227535, MedGen C0346153, MONDO:0016419, OMIM 114480. Disease mechanism: loss of function.

Submissions (3):

Labcorp Genetics (formerly Invitae), Labcorp
Classification: Uncertain significance for Familial cancer of breast. Last evaluated: 2025-02-03. Review status: criteria provided, single submitter. Criteria: Invitae Variant Classification Sherloc (09022015). Collection method: clinical testing. Allele origin: germline.
Comment: This sequence change replaces leucine, which is neutral and non-polar, with phenylalanine, which is neutral and non-polar, at codon 389 of the PALB2 protein (p.Leu389Phe). This variant is not present in population databases (gnomAD no frequency). This variant has not been reported in the literature in individuals affected with PALB2-related conditions. ClinVar contains an entry for this variant (Variation ID: 572383). Invitae Evidence Modeling of protein sequence and biophysical properties (such as structural, functional, and spatial information, amino acid conservation, physicochemical variation, residue mobility, and thermodynamic stability) indicates that this missense variant is not expected to disrupt PALB2 protein function with a negative predictive value of 80%. In summary, the available evidence is currently insufficient to determine the role of this variant in disease. Therefore, it has been classified as a Variant of Uncertain Significance.

Ambry Genetics
Classification: Uncertain significance for Hereditary cancer-predisposing syndrome. Last evaluated: 2023-10-22. Review status: criteria provided, single submitter. Criteria: Ambry Variant Classification Scheme 2023. Collection method: clinical testing. Allele origin: germline.
Comment: The p.L389F variant (also known as c.1165C>T), located in coding exon 4 of the PALB2 gene, results from a C to T substitution at nucleotide position 1165. The leucine at codon 389 is replaced by phenylalanine, an amino acid with highly similar properties. This amino acid position is poorly conserved in available vertebrate species. In addition, this alteration is predicted to be tolerated by in silico analysis. Since supporting evidence is limited at this time, the clinical significance of this alteration remains unclear.

Color Diagnostics, LLC DBA Color Health
Classification: Uncertain significance for Hereditary cancer-predisposing syndrome. Last evaluated: 2022-03-17. Review status: criteria provided, single submitter. Criteria: ACMG Guidelines, 2015. Collection method: clinical testing. Allele origin: germline.
Comment: This missense variant replaces leucine with phenylalanine at codon 389 of the PALB2 protein. Computational prediction suggests that this variant may not impact protein structure and function (internally defined REVEL score threshold <= 0.5, PMID: 27666373). To our knowledge, functional studies have not been reported for this variant. This variant has been detected in a breast cancer case-control meta-analysis in 1/60463 cases and 0/53461 unaffected individuals (PMID: 33471991; Leiden Open Variation Database DB-ID PALB2_011070). This variant has not been identified in the general population by the Genome Aggregation Database (gnomAD). The available evidence is insufficient to determine the role of this variant in disease conclusively. Therefore, this variant is classified as a Variant of Uncertain Significance.

Literature cited by the submitters: PubMed 33471991 (cited by Color Diagnostics, LLC DBA Color Health).